The following is an entry in ClinVar:

NM_006514.4(SCN10A):c.3781_3782del (p.Leu1261fs)

Gene: SCN10A (sodium voltage-gated channel alpha subunit 10; minus strand). Cytogenetic location: 3p22.2.
Variant type: Microsatellite.
Coding change: c.3781_3782del on transcript NM_006514.4 (MANE Select); coding-DNA positions 3781 to 3782, 2 bases deleted (CT; older notation c.3781_3782delCT).
Protein change: p.Leu1261fs; shifts the reading frame from leucine 1261.
Molecular consequence: frameshift variant.
Genome position (GRCh38, 1-based): chr3:38,713,980-38,713,981, AG deleted on the plus strand (CT on the coding strand, the reverse complement: SCN10A is on the minus strand); deleting any 2 consecutive bases within chr3:38,713,980-38,713,983 gives the same sequence; the c. name uses the placement nearest the transcript's 3' end. VCF-style (leftmost placement, unchanged base first): chr3-38713979-AAG-A. GRCh37 (hg19) VCF-style: chr3-38755470-AAG-A.
Other names: c.3778_3779del, p.Leu1260fs (NM_001293306.2); c.3487_3488del, p.Leu1163fs (NM_001293307.2); short protein forms L1261fs, L1260fs, L1163fs.
Identifiers: ClinVar variation 1734851 (VCV001734851.2), dbSNP rs1485417752, ClinGen allele CA433137145.

ClinVar aggregate classification (germline): Uncertain significance (1 of 4 stars; one submission).

Conditions:
Cardiovascular phenotype. Identifiers: MedGen CN230736.

Submission:

Ambry Genetics
Classification: Uncertain significance for Cardiovascular phenotype. Last evaluated: 2021-12-09. Review status: criteria provided, single submitter. Criteria: Ambry Variant Classification Scheme 2023. Collection method: clinical testing. Allele origin: germline.
Comment: The c.3781_3782delCT variant, located in coding exon 21 of the SCN10A gene, results from a deletion of two nucleotides at nucleotide positions 3781 to 3782, causing a translational frameshift with a predicted alternate stop codon (p.L1261Ffs*4). This alteration is expected to result in loss of function by premature protein truncation or nonsense-mediated mRNA decay. However, the evidence for this gene-disease relationship is limited; therefore, the clinical significance of this alteration is unclear.